The following is an entry in ClinVar:

ClinVar aggregate classification (germline): Uncertain significance. Review status: criteria provided, multiple submitters, no conflicts (2 of 4 stars). 3 submissions from 3 submitters: Uncertain significance (3). Last evaluated 2024-11-18.

Conditions:
Joubert syndrome. Also called: CEREBELLOPARENCHYMAL DISORDER IV; JOUBERT-BOLTSHAUSER SYNDROME; Familial aplasia of the vermis. Identifiers: Orphanet 475, MedGen C5979921, MONDO:0018772.
Joubert syndrome 3 (JBTS3). Also called: AHI1-related Ciliopathy. Identifiers: Orphanet 220493, MedGen C1837713, MONDO:0012078, OMIM 608629.

Allele frequency attached by ClinVar (database versions not stated): gnomAD exomes 0.00001 and 0.00002; ExAC 0.00002; TOPMed 0.00002.
gnomAD v4.1: 23 of 1,576,804 alleles (0.0015%); highest among the groups gnomAD compares: Admixed American, 0.0036%; no homozygotes.

Submissions (3):

GeneDx
Classification: Uncertain significance. Last evaluated: 2024-11-18. Review status: criteria provided, single submitter. Criteria: GeneDx Variant Classification Process June 2021. Collection method: clinical testing. Allele origin: germline. Affected: yes.
Comment: Has not been previously published as pathogenic or benign to our knowledge; Not observed at significant frequency in large population cohorts (gnomAD); In silico analysis indicates that this missense variant does not alter protein structure/function; This variant is associated with the following publications: (PMID: 15467982)

Labcorp Genetics (formerly Invitae), Labcorp
Classification: Uncertain significance for Joubert syndrome. Last evaluated: 2024-11-05. Review status: criteria provided, single submitter. Criteria: Invitae Variant Classification Sherloc (09022015). Collection method: clinical testing. Allele origin: germline.
Comment: This sequence change replaces threonine, which is neutral and polar, with alanine, which is neutral and non-polar, at codon 671 of the AHI1 protein (p.Thr671Ala). This variant is present in population databases (rs780154667, gnomAD 0.007%). This variant has not been reported in the literature in individuals affected with AHI1-related conditions. ClinVar contains an entry for this variant (Variation ID: 1352564). Invitae Evidence Modeling of protein sequence and biophysical properties (such as structural, functional, and spatial information, amino acid conservation, physicochemical variation, residue mobility, and thermodynamic stability) has been performed for this missense variant. However, the output from this modeling did not meet the statistical confidence thresholds required to predict the impact of this variant on AHI1 protein function. In summary, the available evidence is currently insufficient to determine the role of this variant in disease. Therefore, it has been classified as a Variant of Uncertain Significance.

Fulgent Genetics
Classification: Uncertain significance for Joubert syndrome 3. Last evaluated: 2024-01-08. Review status: criteria provided, single submitter. Criteria: ACMG Guidelines, 2015. Collection method: clinical testing. Allele origin: germline.

NM_001134831.2(AHI1):c.2011A>G (p.Thr671Ala)

Gene: AHI1 (Abelson helper integration site 1; minus strand). Cytogenetic location: 6q23.3.
Variant type: single nucleotide variant.
Coding change: c.2011A>G on transcript NM_001134831.2 (MANE Select); coding-DNA position 2011, A replaced by G.
Protein change: p.Thr671Ala; replaces threonine 671 with alanine.
Molecular consequence: missense variant.
Genome position (GRCh38, 1-based): chr6:135,438,400, T>C on the plus strand (A>G on the coding strand, the complement: AHI1 is on the minus strand). VCF-style: chr6-135438400-T-C. GRCh37 (hg19) VCF-style: chr6-135759538-T-C.
Other names: c.2011A>G, p.Thr671Ala (NM_001134830.2, NM_001134832.2, NM_001350503.2 and 2 more transcripts); short protein forms T671A.
Identifiers: ClinVar variation 1352564 (VCV001352564.9), dbSNP rs780154667, ClinGen allele CA4012465.